The following is an entry in ClinVar:

NM_005670.4(EPM2A):c.136G>A (p.Ala46Thr)

Genes: EPM2A (EPM2A glucan phosphatase, laforin; minus strand), EPM2A-DT (EPM2A divergent transcript; plus strand), LOC129997381 (ATAC-STARR-seq lymphoblastoid silent region 17642; plus strand). Cytogenetic location: 6q24.3.
Variant type: single nucleotide variant.
Coding change: c.136G>A on transcript NM_005670.4 (MANE Select); coding-DNA position 136, G replaced by A.
Protein change: p.Ala46Thr; replaces alanine 46 with threonine.
Molecular consequence: missense variant. On other transcripts: 5 prime UTR variant (3), intron variant (1).
Genome position (GRCh38, 1-based): chr6:145,735,363, C>T on the plus strand (G>A on the coding strand, the complement: EPM2A is on the minus strand). VCF-style: chr6-145735363-C-T. GRCh37 (hg19) VCF-style: chr6-146056499-C-T.
Other names: p.A46T:GCG>ACG; c.136G>A, p.Ala46Thr (NM_001018041.2, NM_001360057.2, NM_001368130.1); c.-534G>A (NM_001360071.2); c.-488G>A (NM_001368129.2); c.-232G>A (NM_001368131.1); c.-114+545G>A (NM_001360064.2); short protein forms A46T.
Identifiers: ClinVar variation 205444 (VCV000205444.19), dbSNP rs374338349, ClinGen allele CA314520.

ClinVar aggregate classification (germline): Uncertain significance. Review status: criteria provided, multiple submitters, no conflicts (2 of 4 stars). 6 submissions from 6 submitters: Uncertain significance (5). 1 of the submissions does not count toward it. Last evaluated 2024-05-19.

Conditions:
Myoclonic epilepsy of Lafora 1 (MELF1). Also called: EPILEPSY, PROGRESSIVE MYOCLONIC, 2A; EPM2A-Related Lafora Disease; LAFORA DISEASE 1; Epilepsy, progressive myoclonic 2A (Lafora). Identifiers: MedGen CN377204, MONDO:0958199, OMIM 254780.
EPM2A-related disorder. Also called: EPM2A-related condition.
Inborn genetic diseases. Identifiers: MedGen C0950123, MeSH D030342.
Progressive myoclonic epilepsy. Also called: Familial progressive myoclonic epilepsy; Myoclonus epilepsy; Progressive myoclonus epilepsy; Myoclonic Epilepsies, Progressive. Identifiers: Orphanet 308, Orphanet 98261, MedGen C0751778, MONDO:0020074.
Lafora disease. Also called: Progressive Myoclonus Epilepsy, Lafora Type; Epilepsy progressive myoclonic 2. Identifiers: Orphanet 501, MedGen C0751783, MONDO:0009697.

Allele frequency attached by ClinVar (database versions not stated): TOPMed 0.00022.
gnomAD v4.1: 53 of 788,066 alleles (0.0067%); highest among the groups gnomAD compares: Admixed American, 0.082%; 1 homozygote.

Submissions (6):

GeneDx
Classification: Uncertain significance. Last evaluated: 2024-05-19. Review status: criteria provided, single submitter. Criteria: GeneDx Variant Classification Process June 2021. Collection method: clinical testing. Allele origin: germline. Affected: yes.
Comment: Has not been previously published as pathogenic or benign to our knowledge; In silico analysis indicates that this missense variant does not alter protein structure/function

Labcorp Genetics (formerly Invitae), Labcorp
Classification: Uncertain significance for Progressive myoclonic epilepsy. Last evaluated: 2022-09-07. Review status: criteria provided, single submitter. Criteria: Invitae Variant Classification Sherloc (09022015). Collection method: clinical testing. Allele origin: germline.
Comment: This sequence change replaces alanine, which is neutral and non-polar, with threonine, which is neutral and polar, at codon 46 of the EPM2A protein (p.Ala46Thr). This variant is present in population databases (no rsID available, gnomAD 0.2%). This variant has not been reported in the literature in individuals affected with EPM2A-related conditions. ClinVar contains an entry for this variant (Variation ID: 205444). Algorithms developed to predict the effect of missense changes on protein structure and function are either unavailable or do not agree on the potential impact of this missense change (SIFT: "Deleterious"; PolyPhen-2: "Benign"; Align-GVGD: "Class C0"). In summary, the available evidence is currently insufficient to determine the role of this variant in disease. Therefore, it has been classified as a Variant of Uncertain Significance.

New York Genome Center
Classification: Uncertain significance for Myoclonic epilepsy of Lafora 1. Last evaluated: 2020-02-06. Review status: criteria provided, single submitter. Criteria: NYGC Assertion Criteria 2020. Collection method: clinical testing. Allele origin: germline. Observed: 1 heterozygote. Study: CSER-NYCKidSeq.

Fulgent Genetics
Classification: Uncertain significance for Myoclonic epilepsy of Lafora 1. Last evaluated: 2018-10-31. Review status: criteria provided, single submitter. Criteria: ACMG Guidelines, 2015. Collection method: clinical testing. Allele origin: unknown.

Ambry Genetics
Classification: Uncertain significance for Inborn genetic diseases. Last evaluated: 2018-07-31. Review status: criteria provided, single submitter. Criteria: Ambry Variant Classification Scheme 2023. Collection method: clinical testing. Allele origin: germline.
Comment: The p.A46T variant (also known as c.136G>A), located in coding exon 1 of the EPM2A gene, results from a G to A substitution at nucleotide position 136. The alanine at codon 46 is replaced by threonine, an amino acid with similar properties. This amino acid position is not well conserved in available vertebrate species. In addition, this alteration is predicted to be tolerated by in silico analysis. Since supporting evidence is limited at this time, the clinical significance of this alteration remains unclear.

PreventionGenetics, part of Exact Sciences
Classification: Likely benign for EPM2A-related condition. Last evaluated: 2022-03-18. Review status: no assertion criteria provided. Collection method: clinical testing. Allele origin: germline. Not counted in ClinVar's aggregate classification.
Comment: This variant is classified as likely benign based on ACMG/AMP sequence variant interpretation guidelines (Richards et al. 2015 PMID: 25741868, with internal and published modifications).